The following is an entry in ClinVar:

ClinVar aggregate classification (germline): Uncertain significance (1 of 4 stars; one submission).

Submission:

Labcorp Genetics (formerly Invitae), Labcorp
Classification: Uncertain significance. Last evaluated: 2023-11-06. Review status: criteria provided, single submitter. Criteria: Invitae Variant Classification Sherloc (09022015). Collection method: clinical testing. Allele origin: germline.
Comment: This sequence change replaces valine, which is neutral and non-polar, with methionine, which is neutral and non-polar, at codon 590 of the KIZ protein (p.Val590Met). This variant is not present in population databases (gnomAD no frequency). This variant has not been reported in the literature in individuals affected with KIZ-related conditions. ClinVar contains an entry for this variant (Variation ID: 1492211). Experimental studies and prediction algorithms are not available or were not evaluated, and the functional significance of this variant is currently unknown. In summary, the available evidence is currently insufficient to determine the role of this variant in disease. Therefore, it has been classified as a Variant of Uncertain Significance.

NM_018474.6(KIZ):c.1768G>A (p.Val590Met)

Gene: KIZ (kizuna centrosomal protein; plus strand). Cytogenetic location: 20p11.23.
Variant type: single nucleotide variant.
Coding change: c.1768G>A on transcript NM_018474.6 (MANE Select); coding-DNA position 1768, G replaced by A.
Protein change: p.Val590Met; replaces valine 590 with methionine.
Molecular consequence: missense variant.
Genome position (GRCh38, 1-based): chr20:21,229,100, G>A. VCF-style: chr20-21229100-G-A. GRCh37 (hg19) VCF-style: chr20-21209738-G-A.
Other names: c.1459G>A, p.Val487Met (NM_001163022.3); c.1369G>A, p.Val457Met (NM_001163023.3); c.1621G>A, p.Val541Met (NM_001276389.2); c.1714G>A, p.Val572Met (NM_001352434.2); c.1405G>A, p.Val469Met (NM_001352435.2); c.1426G>A, p.Val476Met (NM_001352436.2); short protein forms V457M, V590M, V469M, V487M, V572M, V476M, V541M.
Identifiers: ClinVar variation 1492211 (VCV001492211.5), dbSNP rs2123424745, ClinGen allele CA408494210.